The following is an entry in ClinVar:

ClinVar aggregate classification (germline): Uncertain significance (1 of 4 stars; one submission).

Conditions:
Hereditary diffuse gastric adenocarcinoma (HDGC). Also called: DIFFUSE GASTRIC AND LOBULAR BREAST CANCER SYNDROME. Identifiers: Orphanet 26106, MedGen C1708349, MONDO:0007648, OMIM 137215.

Allele frequency attached by ClinVar (database versions not stated): gnomAD exomes below 0.00001; gnomAD 0.00001; TOPMed 0.00001.
gnomAD v4.1: 2 of 826,790 alleles (0.00024%); highest among the groups gnomAD compares: Non-Finnish European, 0.00038%; no homozygotes.

Submission:

European Reference Network on Genetic Tumour Risk Syndromes (ERN-GENTURIS), i3s - Instituto de Investigação e Inovação em Saúde, University of Porto
Classification: Uncertain significance for Hereditary diffuse gastric adenocarcinoma. Last evaluated: 2022-08-01. Review status: criteria provided, single submitter. Criteria: Lee et al. (Hum Mutat. 2018). Collection method: clinical testing. Allele origin: germline. Inheritance: Autosomal dominant inheritance. Affected: no. Study: ERN GENTURIS.
Comment: PM2 (PMID: 30311375)

Literature cited by the submitters: PubMed 36436516.

NM_004360.5(CDH1):c.163+90T>G

Gene: CDH1 (cadherin 1; plus strand). Cytogenetic location: 16q22.1.
Variant type: single nucleotide variant.
Coding change: c.163+90T>G on transcript NM_004360.5 (MANE Select); 90 bases into the intron after coding-DNA position 163, T replaced by G.
Molecular consequence: intron variant.
Genome position (GRCh38, 1-based): chr16:68,738,501, T>G. VCF-style: chr16-68738501-T-G. GRCh37 (hg19) VCF-style: chr16-68772404-T-G.
Other names: c.-1453+90T>G (NM_001317185.2); c.-1657+90T>G (NM_001317186.2); c.163+90T>G (NM_001317184.2).
Identifiers: ClinVar variation 2503021 (VCV002503021.1), dbSNP rs1422415258, ClinGen allele CA723158072.